The following is an entry in ClinVar:

ClinVar aggregate classification (germline): Conflicting classifications of pathogenicity. Review status: criteria provided, conflicting classifications (1 of 4 stars). 2 submissions from 2 submitters: Uncertain significance (1); Likely benign (1). Last evaluated 2025-08-01.

Allele frequency attached by ClinVar (database versions not stated): TOPMed 0.00050; ExAC 0.00051; gnomAD 0.00053 and 0.00056; gnomAD exomes 0.00060 and 0.00065; ESP Exome Variant Server 0.00068.
gnomAD v4.1: 943 of 1,515,198 alleles (0.062%); highest among the groups gnomAD compares: Middle Eastern, 0.094%; no homozygotes.

Submissions (2):

CeGaT Center for Human Genetics Tuebingen
Classification: Likely benign. Last evaluated: 2025-08-01. Review status: criteria provided, single submitter. Criteria: CeGaT Center For Human Genetics Tuebingen Variant Classification Criteria Version 2. Collection method: clinical testing. Allele origin: germline. Affected: yes. Observed: 2 variant alleles.
Comment: ADGRG6: BP4

Mayo Clinic Laboratories, Mayo Clinic
Classification: Uncertain significance. Last evaluated: 2019-12-16. Review status: criteria provided, single submitter. Criteria: ACMG Guidelines, 2015. Collection method: clinical testing. Allele origin: germline. Observed: 1 variant allele.

NM_198569.3(ADGRG6):c.1955+4A>C

Gene: ADGRG6 (adhesion G protein-coupled receptor G6; plus strand). Cytogenetic location: 6q24.2.
Variant type: single nucleotide variant.
Coding change: c.1955+4A>C on transcript NM_198569.3 (MANE Select); 4 bases into the intron after coding-DNA position 1955, A replaced by C.
Molecular consequence: intron variant.
Genome position (GRCh38, 1-based): chr6:142,402,834, A>C. VCF-style: chr6-142402834-A-C. GRCh37 (hg19) VCF-style: chr6-142723971-A-C.
Other names: c.1955+4A>C (NM_020455.6); c.1871+4A>C (NM_001032394.3, NM_001032395.3).
Identifiers: ClinVar variation 1163276 (VCV001163276.29), dbSNP rs372735218, ClinGen allele CA4027046.